The following is an entry in ClinVar:

NM_001163435.3(TBCK):c.547C>T (p.Pro183Ser)

Gene: TBCK (TBC1 domain containing kinase; minus strand). Cytogenetic location: 4q24.
Variant type: single nucleotide variant.
Coding change: c.547C>T on transcript NM_001163435.3 (MANE Select); coding-DNA position 547, C replaced by T.
Protein change: p.Pro183Ser; replaces proline 183 with serine.
Molecular consequence: missense variant. On other transcripts: intron variant (1).
Genome position (GRCh38, 1-based): chr4:106,251,916, G>A on the plus strand (C>T on the coding strand, the complement: TBCK is on the minus strand). VCF-style: chr4-106251916-G-A. GRCh37 (hg19) VCF-style: chr4-107173073-G-A.
Other names: c.547C>T, p.Pro183Ser (NM_001163436.4); c.31C>T, p.Pro11Ser (NM_001290768.2); c.358C>T, p.Pro120Ser (NM_033115.5); c.480+67C>T (NM_001163437.3); short protein forms P11S, P183S, P120S.
Identifiers: ClinVar variation 1460871 (VCV001460871.3), dbSNP rs373225780, ClinGen allele CA3035418.

ClinVar aggregate classification (germline): Uncertain significance (1 of 4 stars; one submission).

Allele frequency attached by ClinVar (database versions not stated): ExAC 0.00004; gnomAD exomes 0.00004 and 0.00008; ESP Exome Variant Server 0.00008; TOPMed 0.00008; gnomAD 0.00009 and 0.00010.
gnomAD v4.1: 125 of 1,610,968 alleles (0.0078%); highest among the groups gnomAD compares: Non-Finnish European, 0.01%; no homozygotes.

Submission:

Labcorp Genetics (formerly Invitae), Labcorp
Classification: Uncertain significance. Last evaluated: 2022-08-31. Review status: criteria provided, single submitter. Criteria: Invitae Variant Classification Sherloc (09022015). Collection method: clinical testing. Allele origin: germline.
Comment: This sequence change replaces proline, which is neutral and non-polar, with serine, which is neutral and polar, at codon 183 of the TBCK protein (p.Pro183Ser). This variant is present in population databases (rs373225780, gnomAD 0.009%). This variant has not been reported in the literature in individuals affected with TBCK-related conditions. ClinVar contains an entry for this variant (Variation ID: 1460871). Algorithms developed to predict the effect of missense changes on protein structure and function are either unavailable or do not agree on the potential impact of this missense change (SIFT: "Tolerated"; PolyPhen-2: "Possibly Damaging"; Align-GVGD: "Class C0"). In summary, the available evidence is currently insufficient to determine the role of this variant in disease. Therefore, it has been classified as a Variant of Uncertain Significance.